The following is an entry in ClinVar:

ClinVar aggregate classification (germline): Conflicting classifications of pathogenicity. Review status: criteria provided, conflicting classifications (1 of 4 stars). 3 submissions from 3 submitters: Uncertain significance (1); Likely benign (2). Last evaluated 2025-08-24.

Conditions:
Joubert syndrome 23 (JBTS23). Identifiers: Orphanet 475, MedGen C4084822, MONDO:0014664, OMIM 616490.
Short-rib thoracic dysplasia 14 with polydactyly (SRTD14). Identifiers: Orphanet 397715, MedGen C4225286, MONDO:0014688, OMIM 616546.
Inborn genetic diseases. Identifiers: MedGen C0950123, MeSH D030342.

Allele frequency attached by ClinVar (database versions not stated): TOPMed 0.00017; ESP Exome Variant Server 0.00043; 1000 Genomes Project 0.00060; 1000 Genomes Project 30x 0.00078.
gnomAD v4.1: 56 of 1,559,142 alleles (0.0036%); highest among the groups gnomAD compares: African/African-American, 0.054%; no homozygotes.

Submissions (3):

Ambry Genetics
Classification: Likely benign for Inborn genetic diseases. Last evaluated: 2025-08-24. Review status: criteria provided, single submitter. Criteria: Ambry Variant Classification Scheme 2023. Collection method: clinical testing. Allele origin: germline.

Blueprint Genetics
Classification: Likely benign. Last evaluated: 2024-10-31. Review status: criteria provided, single submitter. Criteria: ACMG Guidelines, 2015. Collection method: clinical testing. Allele origin: germline.

Labcorp Genetics (formerly Invitae), Labcorp
Classification: Uncertain significance for Joubert syndrome 23; Short-rib thoracic dysplasia 14 with polydactyly. Last evaluated: 2022-08-23. Review status: criteria provided, single submitter. Criteria: Invitae Variant Classification Sherloc (09022015). Collection method: clinical testing. Allele origin: germline.
Comment: This sequence change replaces proline, which is neutral and non-polar, with leucine, which is neutral and non-polar, at codon 1544 of the KIAA0586 protein (p.Pro1544Leu). The frequency data for this variant in the population databases is considered unreliable, as metrics indicate poor data quality at this position in the gnomAD database. This variant has not been reported in the literature in individuals affected with KIAA0586-related conditions. ClinVar contains an entry for this variant (Variation ID: 542186). Algorithms developed to predict the effect of missense changes on protein structure and function output the following: SIFT: "Tolerated"; PolyPhen-2: "Benign"; Align-GVGD: "Class C0". The leucine amino acid residue is found in multiple mammalian species, which suggests that this missense change does not adversely affect protein function. Algorithms developed to predict the effect of sequence changes on RNA splicing suggest that this variant may disrupt the consensus splice site. In summary, the available evidence is currently insufficient to determine the role of this variant in disease. Therefore, it has been classified as a Variant of Uncertain Significance.

NM_001329943.3(KIAA0586):c.4472C>T (p.Pro1491Leu)

Gene: KIAA0586 (KIAA0586; plus strand). Cytogenetic location: 14q23.1.
Variant type: single nucleotide variant.
Coding change: c.4472C>T on transcript NM_001329943.3 (MANE Select); coding-DNA position 4472, C replaced by T.
Protein change: p.Pro1491Leu; replaces proline 1491 with leucine.
Molecular consequence: missense variant. On other transcripts: intron variant (2).
Genome position (GRCh38, 1-based): chr14:58,540,113, C>T. VCF-style: chr14-58540113-C-T. GRCh37 (hg19) VCF-style: chr14-59006831-C-T.
Other names: c.4244C>T (NM_014749.3); c.4631C>T, p.Pro1544Leu (NM_001244189.2); c.4427C>T, p.Pro1476Leu (NM_001244190.2); c.4217C>T, p.Pro1406Leu (NM_001244191.2, NM_001364701.2); c.4340C>T, p.Pro1447Leu (NM_001244192.2, NM_001329947.2); c.4472C>T, p.Pro1491Leu (NM_001329944.2); c.4244C>T, p.Pro1415Leu (NM_014749.5); c.4430-7668C>T (NM_001329946.2); and 1 more; short protein forms P1544L, P1415L, P1476L, P1406L, P1447L, P1491L.
Identifiers: ClinVar variation 542186 (VCV000542186.9), dbSNP rs370303493, ClinGen allele CA7206408.
Genomic context (GRCh38, chr14:58,540,113, plus strand): 5'-AAATAAATTTTTATGTAGTTTCACCAGGTGATATGGATCGGACACAAATTGAGCTTAATC[C>T]GTACCTCACATGTGTATTTTCAGGTAAGATTTTTACTTTAAAAGTTCTTGAACTTGGAGC-3'
Protein context (NP_001316872.1, residues 1481-1501): DMDRTQIELN[Pro1491Leu]YLTCVFSGGK